The following is an entry in ClinVar:

NM_017617.5(NOTCH1):c.4624G>A (p.Asp1542Asn)

Gene: NOTCH1 (notch receptor 1; minus strand). Cytogenetic location: 9q34.3.
Variant type: single nucleotide variant.
Coding change: c.4624G>A on transcript NM_017617.5 (MANE Select); coding-DNA position 4624, G replaced by A.
Protein change: p.Asp1542Asn; replaces aspartic acid 1542 with asparagine.
Molecular consequence: missense variant.
Genome position (GRCh38, 1-based): chr9:136,505,067, C>T on the plus strand (G>A on the coding strand, the complement: NOTCH1 is on the minus strand). VCF-style: chr9-136505067-C-T. GRCh37 (hg19) VCF-style: chr9-139399519-C-T.
Other names: c.4624G>A (NM_017617.3); short protein forms D1542N.
Identifiers: ClinVar variation 1362863 (VCV001362863.10), dbSNP rs1339004050, ClinGen allele CA375645904.
Genomic context (GRCh38, chr9:136,505,067, plus strand): 5'-CACAGTCCAGCCCGTCCCACTCGCACTCCGCGCTGTTGCAGCCCTGGTCGCAGTGCCCGT[C>T]GCTGAAGTGGTCCTTGCAGTACTGGTCGTACAGGGGGCTGTGGGGGGCGGGACACGCTCA-3'
Protein context (NP_060087.3, residues 1532-1552): YDQYCKDHFS[Asp1542Asn]GHCDQGCNSA

ClinVar aggregate classification (germline): Conflicting classifications of pathogenicity. Review status: criteria provided, conflicting classifications (1 of 4 stars). 2 submissions from 2 submitters: Uncertain significance (1); Likely benign (1). Last evaluated 2026-04-30.

Conditions:
Adams-Oliver syndrome 5 (AOS5). Identifiers: Orphanet 974, MedGen C4014970, MONDO:0014459, OMIM 616028.
Familial thoracic aortic aneurysm and aortic dissection (TAAD). Also called: Thoracic aortic aneurysms and dissections. Identifiers: Orphanet 91387, MedGen C4707243, MONDO:0019625.

Allele frequency attached by ClinVar (database versions not stated): gnomAD exomes below 0.00001.
gnomAD v4.1: 5 of 1,611,098 alleles (0.00031%); highest among the groups gnomAD compares: Non-Finnish European, 0.00042%; no homozygotes.

Submissions (2):

Ambry Genetics
Classification: Uncertain significance for Familial thoracic aortic aneurysm and aortic dissection. Last evaluated: 2026-04-30. Review status: criteria provided, single submitter. Criteria: Ambry Variant Classification Scheme 2023. Collection method: clinical testing. Allele origin: germline.
Comment: The p.D1542N variant (also known as c.4624G>A), located in coding exon 26 of the NOTCH1 gene, results from a G to A substitution at nucleotide position 4624. The aspartic acid at codon 1542 is replaced by asparagine, an amino acid with highly similar properties. This amino acid position is conserved. In addition, this alteration is predicted to be tolerated by in silico analysis. Based on the available evidence, the clinical significance of this variant remains unclear.

Labcorp Genetics (formerly Invitae), Labcorp
Classification: Likely benign for Adams-Oliver syndrome 5. Last evaluated: 2022-12-30. Review status: criteria provided, single submitter. Criteria: Invitae Variant Classification Sherloc (09022015). Collection method: clinical testing. Allele origin: germline.